The following is an entry in ClinVar:

NM_001015877.2(PHF6):c.870T>C (p.Ile290=)

Gene: PHF6 (PHD finger protein 6; plus strand). Cytogenetic location: Xq26.2.
Variant type: single nucleotide variant.
Coding change: c.870T>C on transcript NM_001015877.2 (MANE Select); coding-DNA position 870, T replaced by C.
Protein change: p.Ile290=; no amino-acid change (isoleucine 290 retained).
Molecular consequence: synonymous variant.
Genome position (GRCh38, 1-based): chrX:134,417,204, T>C. VCF-style: chrX-134417204-T-C. GRCh37 (hg19) VCF-style: chrX-133551234-T-C.
Other names: c.870T>C (NM_032458.2); c.870T>C, p.Ile290= (NM_032458.3).
Identifiers: ClinVar variation 2722367 (VCV002722367.4), dbSNP rs763116203, ClinGen allele CA10521286.

ClinVar aggregate classification (germline): Likely benign. Review status: criteria provided, single submitter (1 of 4 stars). 2 submissions from 2 submitters: Likely benign (1). 1 of the submissions does not count toward it. Last evaluated 2024-12-24.

Conditions:
Borjeson-Forssman-Lehmann syndrome (BFLS). Also called: MENTAL RETARDATION, X-LINKED, SYNDROMIC, BORJESON-FORSSMAN-LEHMANN TYPE; MENTAL RETARDATION, EPILEPSY, AND ENDOCRINE DISORDERS; BORJESON SYNDROME. Identifiers: Orphanet 127, MedGen C0265339, MONDO:0010537, OMIM 301900.
PHF6-related disorder. Also called: PHF6-related condition.

Allele frequency attached by ClinVar (database versions not stated): ExAC 0.00001; TOPMed 0.00002; gnomAD 0.00003; gnomAD exomes 0.00003.
gnomAD v4.1: 34 of 1,208,976 alleles (0.0028%); highest among the groups gnomAD compares: Non-Finnish European, 0.0037%; no homozygotes.

Submissions (2):

Labcorp Genetics (formerly Invitae), Labcorp
Classification: Likely benign for Borjeson-Forssman-Lehmann syndrome. Last evaluated: 2024-12-24. Review status: criteria provided, single submitter. Criteria: Invitae Variant Classification Sherloc (09022015). Collection method: clinical testing. Allele origin: germline.

PreventionGenetics, part of Exact Sciences
Classification: Likely benign for PHF6-related condition. Last evaluated: 2024-09-11. Review status: no assertion criteria provided. Collection method: clinical testing. Allele origin: germline. Not counted in ClinVar's aggregate classification.
Comment: This variant is classified as likely benign based on ACMG/AMP sequence variant interpretation guidelines (Richards et al. 2015 PMID: 25741868, with internal and published modifications).